The following is an entry in ClinVar:

NM_002617.4(PEX10):c.894C>T (p.Thr298=)

Gene: PEX10 (peroxisomal biogenesis factor 10; minus strand). Cytogenetic location: 1p36.32.
Variant type: single nucleotide variant.
Coding change: c.894C>T on transcript NM_002617.4 (MANE Select); coding-DNA position 894, C replaced by T.
Protein change: p.Thr298=; no amino-acid change (threonine 298 retained).
Molecular consequence: synonymous variant. On other transcripts: non-coding transcript variant (1).
Genome position (GRCh38, 1-based): chr1:2,406,502, G>A on the plus strand (C>T on the coding strand, the complement: PEX10 is on the minus strand). VCF-style: chr1-2406502-G-A. GRCh37 (hg19) VCF-style: chr1-2337941-G-A.
Other names: c.951C>T, p.Thr317= (NM_001374425.1); c.519C>T, p.Thr173= (NM_001374426.1); c.462C>T, p.Thr154= (NM_001374427.1); c.954C>T, p.Thr318= (NM_153818.2).
Identifiers: ClinVar variation 788258 (VCV000788258.13), dbSNP rs138406081, ClinGen allele CA537988.

ClinVar aggregate classification (germline): Likely benign. Review status: criteria provided, multiple submitters, no conflicts (2 of 4 stars). 3 submissions from 3 submitters: Likely benign (2). 1 of the submissions does not count toward it. Last evaluated 2026-01-19.

Conditions:
Peroxisome biogenesis disorder, complementation group 7 (CG7). Also called: Peroxisome biogenesis disorder, complementation group B. Identifiers: MedGen C1864399.
PEX10-related disorder. Also called: PEX10-related condition.

Allele frequency attached by ClinVar (database versions not stated): gnomAD exomes 0.00002 and 0.00006; ExAC 0.00007; TOPMed 0.00016; gnomAD 0.00019; 1000 Genomes Project 30x 0.00031; ESP Exome Variant Server 0.00031; 1000 Genomes Project 0.00040.
gnomAD v4.1: 58 of 1,612,662 alleles (0.0036%); highest among the groups gnomAD compares: African/African-American, 0.048%; no homozygotes.

Submissions (3):

Labcorp Genetics (formerly Invitae), Labcorp
Classification: Likely benign for Peroxisome biogenesis disorder, complementation group 7. Last evaluated: 2026-01-19. Review status: criteria provided, single submitter. Criteria: Invitae Variant Classification Sherloc (09022015). Collection method: clinical testing. Allele origin: germline.

Blueprint Genetics
Classification: Likely benign. Last evaluated: 2022-08-22. Review status: criteria provided, single submitter. Criteria: ACMG Guidelines, 2015. Collection method: clinical testing. Allele origin: germline.

PreventionGenetics, part of Exact Sciences
Classification: Likely benign for PEX10-related condition. Last evaluated: 2020-04-23. Review status: no assertion criteria provided. Collection method: clinical testing. Allele origin: germline. Not counted in ClinVar's aggregate classification.
Comment: This variant is classified as likely benign based on ACMG/AMP sequence variant interpretation guidelines (Richards et al. 2015 PMID: 25741868, with internal and published modifications).